The following is an entry in ClinVar:

ClinVar aggregate classification (germline): Uncertain significance. Review status: criteria provided, multiple submitters, no conflicts (2 of 4 stars). 3 submissions from 3 submitters: Uncertain significance (3). Last evaluated 2023-08-16.

Conditions:
Neuromuscular disease caused by qualitative or quantitative defects of dysferlin. Also called: Dysferlinopathy; Qualitative or quantitative defects of dysferlin. Identifiers: Orphanet 207073, MedGen C2931687, MONDO:0016145.

Allele frequency attached by ClinVar (database versions not stated): TOPMed below 0.00001; ExAC 0.00001; gnomAD exomes 0.00001 and 0.00002.
gnomAD v4.1: 17 of 1,614,154 alleles (0.0011%); highest among the groups gnomAD compares: South Asian, 0.011%; no homozygotes.

Submissions (3):

Revvity Omics, Revvity
Classification: Uncertain significance. Last evaluated: 2023-08-16. Review status: criteria provided, single submitter. Criteria: ACMG Guidelines, 2015. Collection method: clinical testing. Allele origin: germline.

Labcorp Genetics (formerly Invitae), Labcorp
Classification: Uncertain significance for Neuromuscular disease caused by qualitative or quantitative defects of dysferlin. Last evaluated: 2022-02-10. Review status: criteria provided, single submitter. Criteria: Invitae Variant Classification Sherloc (09022015). Collection method: clinical testing. Allele origin: germline.
Comment: This sequence change replaces arginine, which is basic and polar, with histidine, which is basic and polar, at codon 1423 of the DYSF protein (p.Arg1423His). This variant is present in population databases (rs753156321, gnomAD 0.01%). This variant has not been reported in the literature in individuals affected with DYSF-related conditions. ClinVar contains an entry for this variant (Variation ID: 498578). Advanced modeling of protein sequence and biophysical properties (such as structural, functional, and spatial information, amino acid conservation, physicochemical variation, residue mobility, and thermodynamic stability) performed at Invitae indicates that this missense variant is not expected to disrupt DYSF protein function. In summary, the available evidence is currently insufficient to determine the role of this variant in disease. Therefore, it has been classified as a Variant of Uncertain Significance.

Eurofins Ntd Llc (ga)
Classification: Uncertain significance. Last evaluated: 2016-11-11. Review status: criteria provided, single submitter. Criteria: EGL Classification Definitions 2015. Collection method: clinical testing. Allele origin: germline. Observed: 1 variant allele, 1 heterozygote.

NM_001130987.2(DYSF):c.4322G>A (p.Arg1441His)

Gene: DYSF (dysferlin; plus strand). Cytogenetic location: 2p13.2.
Variant type: single nucleotide variant.
Coding change: c.4322G>A on transcript NM_001130987.2 (MANE Select); coding-DNA position 4322, G replaced by A.
Protein change: p.Arg1441His; replaces arginine 1441 with histidine.
Molecular consequence: missense variant.
Genome position (GRCh38, 1-based): chr2:71,612,741, G>A. VCF-style: chr2-71612741-G-A. GRCh37 (hg19) VCF-style: chr2-71839871-G-A.
Other names: c.4271G>A, p.Arg1424His (NM_001130455.2, NM_001130983.2); c.4226G>A, p.Arg1409His (NM_001130976.2, NM_001130977.2); c.4268G>A, p.Arg1423His (NM_001130978.2, NM_003494.4); c.4361G>A, p.Arg1454His (NM_001130979.2); c.4319G>A, p.Arg1440His (NM_001130980.2, NM_001130981.2); c.4364G>A, p.Arg1455His (NM_001130982.2); c.4229G>A, p.Arg1410His (NM_001130984.2, NM_001130986.2); c.4322G>A, p.Arg1441His (NM_001130985.2); and 1 more; short protein forms R1423H, R1441H, R1409H, R1455H, R1424H, R1454H, R1440H, R1410H.
Identifiers: ClinVar variation 498578 (VCV000498578.9), dbSNP rs753156321, ClinGen allele CA1706967.